The following is an entry in ClinVar:

ClinVar aggregate classification (germline): Uncertain significance (1 of 4 stars; one submission).

gnomAD v4.1: 164 of 1,210,203 alleles (0.014%); highest among the groups gnomAD compares: Non-Finnish European, 0.018%; no homozygotes.

Submission:

Women's Health and Genetics/Laboratory Corporation of America, LabCorp
Classification: Uncertain significance. Last evaluated: 2026-03-10. Review status: criteria provided, single submitter. Criteria: LabCorp Variant Classification Summary - May 2015. Collection method: clinical testing. Allele origin: germline.
Comment: Variant summary: GLUD2 c.431C>T (p.Thr144Met) results in a non-conservative amino acid change in the encoded protein sequence. Algorithms developed to predict the effect of missense changes on protein structure and function are either unavailable or do not agree on the potential impact of this missense change. The variant allele was found at a frequency of 0.00011 in 183401 control chromosomes. This frequency is not significantly higher than estimated for disease-causing variants in GLUD2, allowing no conclusion about variant significance. To our knowledge, no occurrence of c.431C>T in individuals affected with GLUD2-related conditions and no experimental evidence demonstrating its impact on protein function have been reported. No submitters have cited clinical-significance assessments for this variant to ClinVar. Based on the evidence outlined above, the variant was classified as uncertain significance.

NM_012084.4(GLUD2):c.431C>T (p.Thr144Met)

Gene: GLUD2 (glutamate dehydrogenase 2; plus strand). Cytogenetic location: Xq24.
Variant type: single nucleotide variant.
Coding change: c.431C>T on transcript NM_012084.4 (MANE Select); coding-DNA position 431, C replaced by T.
Protein change: p.Thr144Met; replaces threonine 144 with methionine.
Molecular consequence: missense variant.
Genome position (GRCh38, 1-based): chrX:121,048,115, C>T. VCF-style: chrX-121048115-C-T. GRCh37 (hg19) VCF-style: chrX-120181969-C-T.
Other names: short protein forms T144M.
Identifiers: ClinVar variation 4847351 (VCV004847351.1).
Genomic context (GRCh38, chrX:121,048,115, plus strand): 5'-GCGACGACGGCTCCTGGGAGGTCATCGAAGGCTACCGGGCCCAGCACAGCCAGCACCGCA[C>T]GCCCTGCAAGGGAGGTATCCGTTACAGCACTGATGTGAGTGTAGATGAAGTAAAAGCTTT-3'
Protein context (NP_036216.2, residues 134-154): GYRAQHSQHR[Thr144Met]PCKGGIRYST